The following is an entry in ClinVar:

ClinVar aggregate classification (germline): Pathogenic/Likely pathogenic. Review status: criteria provided, multiple submitters, no conflicts (2 of 4 stars). 6 submissions from 6 submitters: Pathogenic (3); Likely pathogenic (3). Last evaluated 2026-05-26.

Conditions:
Inborn genetic diseases. Identifiers: MedGen C0950123, MeSH D030342.
Seizure. Also called: Seizures. Identifiers: MedGen C0036572, HP:0001250.
Developmental and epileptic encephalopathy, 9 (DEE9). Also called: EPILEPSY, FEMALE-RESTRICTED, WITH MENTAL RETARDATION; Early infantile epileptic encephalopathy 9; PCDH19-Related X-Linked Female-Limited Epilepsy with Mental Retardation; JUBERG-HELLMAN SYNDROME. Identifiers: Orphanet 101039, Orphanet 2076, MedGen C1848137, MONDO:0010246, OMIM 300088. Disease mechanism: loss of function.

Submissions (6):

Ambry Genetics
Classification: Likely pathogenic for Inborn genetic diseases. Last evaluated: 2026-05-26. Review status: criteria provided, single submitter. Criteria: Ambry Variant Classification Scheme 2023. Collection method: clinical testing. Allele origin: germline.
Comment: The c.707C>T (p.P236L) alteration is located in exon 1 (coding exon 1) of the PCDH19 gene. This alteration results from a C to T substitution at nucleotide position 707, causing the proline (P) at amino acid position 236 to be replaced by a leucine (L). This variant was not reported in population-based cohorts in the Genome Aggregation Database (gnomAD). This variant was determined to be de novo in at least one individual with features consistent with PCDH19-related developmental and epileptic encephalopathy (Trump, 2016). Other variant(s) at the same codon, c.707C>G (p.P236R), c.706C>T (p.P236S), have been identified in individual(s) with features consistent with PCDH19-related developmental and epileptic encephalopathy (Specchio, 2011; Romasko, 2018; Costain, 2019). This amino acid position is highly conserved in available vertebrate species. This alteration is predicted to be deleterious by in silico analysis. Based on the available evidence, this alteration is classified as likely pathogenic.

Labcorp Genetics (formerly Invitae), Labcorp
Classification: Pathogenic for Developmental and epileptic encephalopathy, 9. Last evaluated: 2024-10-22. Review status: criteria provided, single submitter. Criteria: Invitae Variant Classification Sherloc (09022015). Collection method: clinical testing. Allele origin: germline.
Comment: This sequence change replaces proline, which is neutral and non-polar, with leucine, which is neutral and non-polar, at codon 236 of the PCDH19 protein (p.Pro236Leu). This variant is not present in population databases (gnomAD no frequency). This missense change has been observed in individual(s) with early infantile epileptic encephalopathy (PMID: 26993267). In at least one individual the variant was observed to be de novo. ClinVar contains an entry for this variant (Variation ID: 626145). Invitae Evidence Modeling of protein sequence and biophysical properties (such as structural, functional, and spatial information, amino acid conservation, physicochemical variation, residue mobility, and thermodynamic stability) indicates that this missense variant is expected to disrupt PCDH19 protein function with a positive predictive value of 95%. This variant disrupts the p.Pro236 amino acid residue in PCDH19. Other variant(s) that disrupt this residue have been determined to be pathogenic (PMID: 31487502; internal data). This suggests that this residue is clinically significant, and that variants that disrupt this residue are likely to be disease-causing. For these reasons, this variant has been classified as Pathogenic.

Centre for Inherited Metabolic Diseases, Karolinska University Hospital
Classification: Pathogenic for Developmental and epileptic encephalopathy, 9. Last evaluated: 2024-02-27. Review status: criteria provided, single submitter. Criteria: ACMG Guidelines, 2015. Collection method: clinical testing. Allele origin: de novo. Inheritance: X-linked inheritance. Affected: yes. Observed: 1 heterozygote.

Cytogénomique, Hospices Civils de Lyon
Classification: Pathogenic for Seizure. Last evaluated: 2024-01-12. Review status: criteria provided, single submitter. Criteria: ACMG Guidelines, 2015. Collection method: clinical testing. Allele origin: unknown. Affected: yes.

Center for Genomics, Ann and Robert H. Lurie Children's Hospital of Chicago
Classification: Likely pathogenic for Developmental and epileptic encephalopathy, 9. Last evaluated: 2021-03-30. Review status: criteria provided, single submitter. Criteria: ACMG Guidelines, 2015. Collection method: clinical testing. Allele origin: germline.
Comment: PCDH19 NM_001184880.1 exon 1 p.Pro236Leu (c.707C>T): This variant has been reported in the literature as de novo in 1 individual with early infantile epileptic encephalopthy (Trump 2016 PMID:26993267). This variant is not present in large control databases. Evolutionary conservation and computational predictive tools suggest that this variant may impact the protein. Of note, an additional variant at this codon (p.Pro236Ser) has been reported as de novo and in association with disease, supporting that this region has signifiance. In summary, data on this variant is highly suspicious for disease, but requires further evidence for pathogenicity. Therefore, this variant classified as likely pathogenic.

Institute for Medical Genetics and Human Genetics, Charité - Universitätsmedizin Berlin
Classification: Likely pathogenic for Developmental and epileptic encephalopathy, 9. Review status: criteria provided, single submitter. Criteria: ACMG Guidelines, 2015. Collection method: not provided. Allele origin: germline. Inheritance: X-linked inheritance. Affected: yes.

Literature cited by the submitters: PubMed 21480887 (cited by Ambry Genetics); PubMed 26993267 (cited by Ambry Genetics and Labcorp Genetics (formerly Invitae), Labcorp); PubMed 29933145 (cited by Ambry Genetics); PubMed 31487502 (cited by Ambry Genetics and Labcorp Genetics (formerly Invitae), Labcorp).

NM_001184880.2(PCDH19):c.707C>T (p.Pro236Leu)

Gene: PCDH19 (protocadherin 19; minus strand). Cytogenetic location: Xq22.1.
Variant type: single nucleotide variant.
Coding change: c.707C>T on transcript NM_001184880.2 (MANE Select); coding-DNA position 707, C replaced by T.
Protein change: p.Pro236Leu; replaces proline 236 with leucine.
Molecular consequence: missense variant.
Genome position (GRCh38, 1-based): chrX:100,407,891, G>A on the plus strand (C>T on the coding strand, the complement: PCDH19 is on the minus strand). VCF-style: chrX-100407891-G-A. GRCh37 (hg19) VCF-style: chrX-99662889-G-A.
Other names: c.707C>T (NM_001184880.1); c.707C>T, p.Pro236Leu (NM_001105243.2, NM_020766.3); short protein forms P236L.
Identifiers: ClinVar variation 626145 (VCV000626145.14), dbSNP rs1060502176, ClinGen allele CA414008536.
Genomic context (GRCh38, chrX:100,407,891, plus strand): 5'-GGTGTGTTGGGAGGCGAGTTTTCTGGCACGCTCACCGCGTAGGTGGACTCGCTAAACACC[G>A]GGTTGTTGTCATTGGAGTCGGTCACCTTGATACTAAGGCCAACGGTGCCCAGGCGCGGCG-3'
Protein context (NP_001171809.1, residues 226-246): IKVTDSNDNN[Pro236Leu]VFSESTYAVS